The following is an entry in ClinVar:

NM_001127198.5(TMC6):c.1942_1943del (p.Met648fs)

Gene: TMC6 (transmembrane channel like 6; minus strand). Cytogenetic location: 17q25.3.
Variant type: Deletion.
Coding change: c.1942_1943del on transcript NM_001127198.5 (MANE Select); coding-DNA positions 1942 to 1943, 2 bases deleted (AT; older notation c.1942_1943delAT).
Protein change: p.Met648fs; shifts the reading frame from methionine 648.
Molecular consequence: frameshift variant.
Genome position (GRCh38, 1-based): chr17:78,117,880-78,117,881, AT deleted on the plus strand (AT on the coding strand, the reverse complement: TMC6 is on the minus strand). VCF-style (leftmost placement, unchanged base first): chr17-78117879-CAT-C. GRCh37 (hg19) VCF-style: chr17-76113960-CAT-C.
Other names: c.1942_1943del, p.Met648fs (NM_001321185.1, NM_001374596.1, NM_001375353.1 and 2 more transcripts); c.1762_1763del, p.Met588fs (NM_001374593.1, NM_001374594.1); short protein forms M588fs, M648fs.
Identifiers: ClinVar variation 1076199 (VCV001076199.7), dbSNP rs1458008918, ClinGen allele CA775321150.

ClinVar aggregate classification (germline): Pathogenic (1 of 4 stars; one submission).

Conditions:
Epidermodysplasia verruciformis. Identifiers: Orphanet 302, MedGen C0014522, MONDO:0009176.

Allele frequency attached by ClinVar (database versions not stated): gnomAD exomes 0.00001; TOPMed 0.00002.

Submission:

Labcorp Genetics (formerly Invitae), Labcorp
Classification: Pathogenic for Epidermodysplasia verruciformis. Last evaluated: 2021-07-19. Review status: criteria provided, single submitter. Criteria: Invitae Variant Classification Sherloc (09022015). Collection method: clinical testing. Allele origin: germline.
Comment: This sequence change creates a premature translational stop signal (p.Met648Glufs*112) in the TMC6 gene. It is expected to result in an absent or disrupted protein product. Loss-of-function variants in TMC6 are known to be pathogenic (PMID: 15042430, 17139267). This variant is not present in population databases (ExAC no frequency). This variant has not been reported in the literature in individuals affected with TMC6-related conditions. ClinVar contains an entry for this variant (Variation ID: 1076199). For these reasons, this variant has been classified as Pathogenic.

Literature cited by the submitters: PubMed 15042430; PubMed 17139267.